The following is an entry in ClinVar:

ClinVar aggregate classification (germline): Uncertain significance (1 of 4 stars; one submission).

Conditions:
TRIP12-related disorder. Also called: TRIP12-related condition.

gnomAD v4.1: 1 of 1,614,170 alleles (0.000062%); highest among the groups gnomAD compares: Non-Finnish European, 0.000085%; no homozygotes.

Submission:

PreventionGenetics, part of Exact Sciences
Classification: Uncertain significance for TRIP12-related condition. Last evaluated: 2026-03-19. Review status: criteria provided, single submitter. Criteria: ACMG Guidelines, 2015. Collection method: clinical testing. Allele origin: germline.
Comment: The TRIP12 c.275A>G variant is predicted to result in the amino acid substitution p.Asp92Gly. To our knowledge, this variant has not been reported in the literature or in a large population database (gnomAD), indicating this variant is rare. At this time, the clinical significance of this variant is uncertain due to the absence of conclusive functional and genetic evidence.

NM_001348323.3(TRIP12):c.275A>G (p.Asp92Gly)

Gene: TRIP12 (thyroid hormone receptor interactor 12; minus strand). Cytogenetic location: 2q36.3.
Variant type: single nucleotide variant.
Coding change: c.275A>G on transcript NM_001348323.3 (MANE Select); coding-DNA position 275, A replaced by G.
Protein change: p.Asp92Gly; replaces aspartic acid 92 with glycine.
Molecular consequence: missense variant. On other transcripts: intron variant (1).
Genome position (GRCh38, 1-based): chr2:229,859,524, T>C on the plus strand (A>G on the coding strand, the complement: TRIP12 is on the minus strand). VCF-style: chr2-229859524-T-C. GRCh37 (hg19) VCF-style: chr2-230724240-T-C.
Other names: c.275A>G, p.Asp92Gly (NM_001284214.2, NM_001348315.2, NM_001348319.1 and 15 more transcripts); c.149A>G, p.Asp50Gly (NM_001284215.2, NM_001348316.2, NM_001348317.1 and 3 more transcripts); c.98+20458A>G (NM_001284216.2); short protein forms D50G, D92G.
Identifiers: ClinVar variation 4991106 (VCV004991106.1).